The following is an entry in ClinVar:

NM_004360.5(CDH1):c.997C>T (p.Leu333=)

Gene: CDH1 (cadherin 1; plus strand). Cytogenetic location: 16q22.1.
Variant type: single nucleotide variant.
Coding change: c.997C>T on transcript NM_004360.5 (MANE Select); coding-DNA position 997, C replaced by T.
Protein change: p.Leu333=; no amino-acid change (leucine 333 retained).
Molecular consequence: synonymous variant. On other transcripts: 5 prime UTR variant (2).
Genome position (GRCh38, 1-based): chr16:68,811,848, C>T. VCF-style: chr16-68811848-C-T. GRCh37 (hg19) VCF-style: chr16-68845751-C-T.
Other names: c.997C>T, p.Leu333= (NM_001317184.2); c.-619C>T (NM_001317185.2); c.-823C>T (NM_001317186.2).
Identifiers: ClinVar variation 3378860 (VCV003378860.1).

ClinVar aggregate classification (germline): Benign (1 of 4 stars; one submission).

Conditions:
Hereditary diffuse gastric adenocarcinoma (HDGC). Also called: DIFFUSE GASTRIC AND LOBULAR BREAST CANCER SYNDROME. Identifiers: Orphanet 26106, MedGen C1708349, MONDO:0007648, OMIM 137215.

Submission:

Myriad Genetics, Inc.
Classification: Benign for Hereditary diffuse gastric adenocarcinoma. Last evaluated: 2024-09-17. Review status: criteria provided, single submitter. Criteria: Myriad Autosomal Dominant, Autosomal Recessive and X-Linked Classification Criteria (2023). Collection method: clinical testing. Allele origin: unknown.
Comment: This variant is considered benign. This variant is a silent/synonymous amino acid change and it is not expected to impact splicing.